The following is an entry in ClinVar:

NM_004656.4(BAP1):c.1843A>T (p.Met615Leu)

Gene: BAP1 (BRCA1 associated deubiquitinase 1; minus strand). Cytogenetic location: 3p21.1.
Variant type: single nucleotide variant.
Coding change: c.1843A>T on transcript NM_004656.4 (MANE Select); coding-DNA position 1843, A replaced by T.
Protein change: p.Met615Leu; replaces methionine 615 with leucine.
Molecular consequence: missense variant.
Genome position (GRCh38, 1-based): chr3:52,403,185, T>A on the plus strand (A>T on the coding strand, the complement: BAP1 is on the minus strand). VCF-style: chr3-52403185-T-A. GRCh37 (hg19) VCF-style: chr3-52437201-T-A.
Other names: c.1843A>T (NM_004656.2); short protein forms M615L.
Identifiers: ClinVar variation 935598 (VCV000935598.8), dbSNP rs1183229867, ClinGen allele CA353098214.

ClinVar aggregate classification (germline): Conflicting classifications of pathogenicity. Review status: criteria provided, conflicting classifications (1 of 4 stars). 2 submissions from 2 submitters: Uncertain significance (1); Likely benign (1). Last evaluated 2025-01-06.

Conditions:
BAP1-related tumor predisposition syndrome (TPDS1). Also called: Tumor susceptibility linked to germline BAP1 mutations; COMMON Syndrome; TUMOR PREDISPOSITION SYNDROME 1; BAP1 tumor predisposition syndrome. Identifiers: Orphanet 289539, MedGen C3280492, MONDO:0013692, OMIM 614327.
Hereditary cancer-predisposing syndrome. Also called: Tumor predisposition; Hereditary neoplastic syndrome; Hereditary Cancer Syndrome; Neoplastic Syndromes, Hereditary. Identifiers: Orphanet 140162, MedGen C0027672, MeSH D009386, MONDO:0015356.

Submissions (2):

Ambry Genetics
Classification: Likely benign for Hereditary cancer-predisposing syndrome. Last evaluated: 2025-01-06. Review status: criteria provided, single submitter. Criteria: Ambry Variant Classification Scheme 2023. Collection method: clinical testing. Allele origin: germline.

Labcorp Genetics (formerly Invitae), Labcorp
Classification: Uncertain significance for BAP1-related tumor predisposition syndrome. Last evaluated: 2021-05-19. Review status: criteria provided, single submitter. Criteria: Invitae Variant Classification Sherloc (09022015). Collection method: clinical testing. Allele origin: germline.
Comment: This variant has not been reported in the literature in individuals with BAP1-related conditions. In summary, the available evidence is currently insufficient to determine the role of this variant in disease. Therefore, it has been classified as a Variant of Uncertain Significance. Algorithms developed to predict the effect of sequence changes on RNA splicing suggest that this variant may create or strengthen a splice site, but this prediction has not been confirmed by published transcriptional studies. Algorithms developed to predict the effect of missense changes on protein structure and function output the following: SIFT: "Tolerated"; PolyPhen-2: "Benign"; Align-GVGD: "Class C0". The leucine amino acid residue is found in multiple mammalian species, suggesting that this missense change does not adversely affect protein function. These predictions have not been confirmed by published functional studies and their clinical significance is uncertain. This variant is not present in population databases (ExAC no frequency). This sequence change replaces methionine with leucine at codon 615 of the BAP1 protein (p.Met615Leu). The methionine residue is weakly conserved and there is a small physicochemical difference between methionine and leucine.